The following is an entry in ClinVar:

NM_002074.5(GNB1):c.706C>T (p.Pro236Ser)

Gene: GNB1 (G protein subunit beta 1; minus strand). Cytogenetic location: 1p36.33.
Variant type: single nucleotide variant.
Coding change: c.706C>T on transcript NM_002074.5 (MANE Select); coding-DNA position 706, C replaced by T.
Protein change: p.Pro236Ser; replaces proline 236 with serine.
Molecular consequence: missense variant.
Genome position (GRCh38, 1-based): chr1:1,789,263, G>A on the plus strand (C>T on the coding strand, the complement: GNB1 is on the minus strand). VCF-style: chr1-1789263-G-A. GRCh37 (hg19) VCF-style: chr1-1720702-G-A.
Other names: c.406C>T, p.Pro136Ser (NM_001282538.2); c.706C>T, p.Pro236Ser (NM_001282539.2); short protein forms P236S, P136S.
Identifiers: ClinVar variation 2758115 (VCV002758115.3), dbSNP rs2522194001, ClinGen allele CA337905028.

ClinVar aggregate classification (germline): Uncertain significance (1 of 4 stars; one submission).

Submission:

Labcorp Genetics (formerly Invitae), Labcorp
Classification: Uncertain significance. Last evaluated: 2023-09-05. Review status: criteria provided, single submitter. Criteria: Invitae Variant Classification Sherloc (09022015). Collection method: clinical testing. Allele origin: germline.
Comment: In summary, the available evidence is currently insufficient to determine the role of this variant in disease. Therefore, it has been classified as a Variant of Uncertain Significance. Advanced modeling of protein sequence and biophysical properties (such as structural, functional, and spatial information, amino acid conservation, physicochemical variation, residue mobility, and thermodynamic stability) performed at Invitae indicates that this missense variant is not expected to disrupt GNB1 protein function. This sequence change replaces proline, which is neutral and non-polar, with serine, which is neutral and polar, at codon 236 of the GNB1 protein (p.Pro236Ser). This variant is not present in population databases (gnomAD no frequency). This variant has not been reported in the literature in individuals affected with GNB1-related conditions.